The following is an entry in ClinVar:

ClinVar aggregate classification (germline): Likely pathogenic (1 of 4 stars; one submission).

Conditions:
Angelman syndrome (AS). Also called: HAPPY PUPPET SYNDROME. Identifiers: Orphanet 72, MedGen C0162635, MONDO:0007113, OMIM 105830. Disease mechanism: loss of function. Inheritance: AS is caused by disruption of maternally imprinted UBE3A located within the 15q11.2-q13 Angelman syndrome/Prader-Willi syndrome (AS/PWS) region., imprinting disorder.

Submission:

Greenwood Genetic Center Diagnostic Laboratories, Greenwood Genetic Center
Classification: Likely pathogenic for Angelman syndrome. Last evaluated: 2022-04-18. Review status: criteria provided, single submitter. Criteria: ACMG Guidelines, 2015. Collection method: clinical testing. Allele origin: germline. Affected: yes.
Comment: PM2, PM4, PM6

NM_130839.5(UBE3A):c.2508_2510dup (p.Ser837_His838insSer)

Genes: SNHG14 (small nucleolar RNA host gene 14; plus strand), UBE3A (ubiquitin protein ligase E3A; minus strand). Cytogenetic location: 15q11.2.
Variant type: Duplication.
Coding change: c.2508_2510dup on transcript NM_130839.5 (MANE Select); coding-DNA positions 2508 to 2510, 3 bases duplicated (ATC; older notation c.2508_2510dupATC).
Protein change: p.Ser837_His838insSer.
Molecular consequence: inframe insertion. On other transcripts: non-coding transcript variant (1).
Genome position (GRCh38, 1-based): chr15:25,339,246-25,339,248, GAT duplicated on the plus strand (ATC on the coding strand, the reverse complement: UBE3A is on the minus strand); duplicating any 3 consecutive bases within chr15:25,339,246-25,339,249 gives the same sequence; the c. name uses the placement nearest the transcript's 3' end. VCF-style (leftmost placement, unchanged base first): chr15-25339245-A-AGAT. GRCh37 (hg19) VCF-style: chr15-25584392-A-AGAT.
Other names: c.2448_2450dup, p.Ser817_His818insSer (NM_001354541.2, NM_001354542.2, NM_001354543.2 and 14 more transcripts); c.2352_2354dup, p.Ser785_His786insSer (NM_001354545.2); c.2331_2333dup, p.Ser778_His779insSer (NM_001354546.2); c.2292_2294dup, p.Ser765_His766insSer (NM_001354547.2, NM_001354548.2); c.2283_2285dup, p.Ser762_His763insSer (NM_001354549.2); c.1257_1259dup, p.Ser420_His421insSer (NM_001354550.2); c.1197_1199dup, p.Ser400_His401insSer (NM_001354551.2); c.2508_2510dup, p.Ser837_His838insSer (NM_001354538.2, NM_001354505.1); and 1 more.
Identifiers: ClinVar variation 1703145 (VCV001703145.3), dbSNP rs2552181711, ClinGen allele CA2580089127.